The following is an entry in ClinVar:

ClinVar aggregate classification (germline): Benign/Likely benign. Review status: criteria provided, multiple submitters, no conflicts (2 of 4 stars). 3 submissions from 3 submitters: Benign (1); Likely benign (1). 1 of the submissions does not count toward it. Last evaluated 2025-07-16.

Conditions:
CENPF-related disorder. Also called: CENPF-related condition.

Allele frequency attached by ClinVar (database versions not stated): gnomAD exomes 0.00027 and 0.00058; gnomAD 0.00037 and 0.00046; ExAC 0.00062; TOPMed 0.00063; 1000 Genomes Project 30x 0.00156; 1000 Genomes Project 0.00180.
gnomAD v4.1: 521 of 1,614,080 alleles (0.032%); highest among the groups gnomAD compares: East Asian, 0.86%; 5 homozygotes.

Submissions (3):

Labcorp Genetics (formerly Invitae), Labcorp
Classification: Benign. Last evaluated: 2025-07-16. Review status: criteria provided, single submitter. Criteria: Invitae Variant Classification Sherloc (09022015). Collection method: clinical testing. Allele origin: germline.

Blueprint Genetics
Classification: Likely benign. Last evaluated: 2024-10-28. Review status: criteria provided, single submitter. Criteria: ACMG Guidelines, 2015. Collection method: clinical testing. Allele origin: germline.

PreventionGenetics, part of Exact Sciences
Classification: Likely benign for CENPF-related condition. Last evaluated: 2023-12-04. Review status: no assertion criteria provided. Collection method: clinical testing. Allele origin: germline. Not counted in ClinVar's aggregate classification.
Comment: This variant is classified as likely benign based on ACMG/AMP sequence variant interpretation guidelines (Richards et al. 2015 PMID: 25741868, with internal and published modifications).

NM_016343.4(CENPF):c.1398G>A (p.Ala466=)

Gene: CENPF (centromere protein F; plus strand). Cytogenetic location: 1q41.
Variant type: single nucleotide variant.
Coding change: c.1398G>A on transcript NM_016343.4 (MANE Select); coding-DNA position 1398, G replaced by A.
Protein change: p.Ala466=; no amino-acid change (alanine 466 retained).
Molecular consequence: synonymous variant.
Genome position (GRCh38, 1-based): chr1:214,632,554, G>A. VCF-style: chr1-214632554-G-A. GRCh37 (hg19) VCF-style: chr1-214805897-G-A.
Identifiers: ClinVar variation 712345 (VCV000712345.12), dbSNP rs139822426, ClinGen allele CA1390040.
Genomic context (GRCh38, chr1:214,632,554, plus strand): 5'-GCAACAGCTAGAAAACAATTTGGAAGAGTTTAAGCAAAAGTTGTGCAGAGCTGAACAGGC[G>A]TTCCAGGCGAGTCAGATCAAGGAGAATGAGCTGAGGAGAAGCATGGAGGTAAGGGAGGAG-3'
Protein context (NP_057427.3, residues 456-476): FKQKLCRAEQ[Ala466=]FQASQIKENE